The following is an entry in ClinVar:

ClinVar aggregate classification (germline): Likely benign. Review status: criteria provided, single submitter (1 of 4 stars). 2 submissions from 2 submitters: Likely benign (1). 1 of the submissions does not count toward it. Last evaluated 2023-01-23.

Conditions:
WDPCP-related disorder. Also called: WDPCP-related condition.

gnomAD v4.1: 5 of 1,608,344 alleles (0.00031%); highest among the groups gnomAD compares: Non-Finnish European, 0.00043%; no homozygotes.

Submissions (2):

Blueprint Genetics
Classification: Likely benign. Last evaluated: 2023-01-23. Review status: criteria provided, single submitter. Criteria: ACMG Guidelines, 2015. Collection method: clinical testing. Allele origin: germline.

PreventionGenetics, part of Exact Sciences
Classification: Likely benign for WDPCP-related condition. Last evaluated: 2021-03-31. Review status: no assertion criteria provided. Collection method: clinical testing. Allele origin: germline. Not counted in ClinVar's aggregate classification.
Comment: This variant is classified as likely benign based on ACMG/AMP sequence variant interpretation guidelines (Richards et al. 2015 PMID: 25741868, with internal and published modifications).

NM_015910.7(WDPCP):c.2158+5T>C

Gene: WDPCP (WD repeat containing planar cell polarity effector; minus strand). Cytogenetic location: 2p15.
Variant type: single nucleotide variant.
Coding change: c.2158+5T>C on transcript NM_015910.7 (MANE Select); 5 bases into the intron after coding-DNA position 2158, T replaced by C.
Molecular consequence: intron variant.
Genome position (GRCh38, 1-based): chr2:63,153,490, A>G on the plus strand (T>C on the coding strand, the complement: WDPCP is on the minus strand). VCF-style: chr2-63153490-A-G. GRCh37 (hg19) VCF-style: chr2-63380625-A-G.
Other names: c.2086+5T>C (NM_001354044.2); c.1681+5T>C (NM_001042692.3).
Identifiers: ClinVar variation 3357428 (VCV003357428.2).